The following is an entry in ClinVar:

NM_002796.3(PSMB4):c.336C>T (p.Leu112=)

Gene: PSMB4 (proteasome 20S subunit beta 4; plus strand). Cytogenetic location: 1q21.3.
Variant type: single nucleotide variant.
Coding change: c.336C>T on transcript NM_002796.3 (MANE Select); coding-DNA position 336, C replaced by T.
Protein change: p.Leu112=; no amino-acid change (leucine 112 retained).
Molecular consequence: synonymous variant.
Genome position (GRCh38, 1-based): chr1:151,400,176, C>T. VCF-style: chr1-151400176-C-T. GRCh37 (hg19) VCF-style: chr1-151372652-C-T.
Other names: c.336C>T (NM_002796.2).
Identifiers: ClinVar variation 1169035 (VCV001169035.32), dbSNP rs11557389, ClinGen allele CA1090626.
Genomic context (GRCh38, chr1:151,400,176, plus strand): 5'-CAGTACCATGCTGGGTGCCTCTGGCGACTACGCTGATTTCCAGTATTTGAAGCAAGTTCT[C>T]GGCCAGATGGTGTAAGTCATCCAGAGAACAGGAGAGTGGTTCCCAAGTAGAGAGGGGAGT-3'
Protein context (NP_002787.2, residues 102-122): YADFQYLKQV[Leu112=]GQMVIDEELL

ClinVar aggregate classification (germline): Benign/Likely benign. Review status: criteria provided, multiple submitters, no conflicts (2 of 4 stars). 5 submissions from 5 submitters: Benign (2); Likely benign (3). Last evaluated 2026-02-01.

Conditions:
PSMB4-related disorder. Also called: PSMB4-related condition.

Allele frequency attached by ClinVar (database versions not stated): gnomAD exomes 0.00017 and 0.00041; ExAC 0.00057; ESP Exome Variant Server 0.00185; gnomAD 0.00188 and 0.00196; TOPMed 0.00198; 1000 Genomes Project 0.00260; 1000 Genomes Project 30x 0.00297.

Submissions (5):

Labcorp Genetics (formerly Invitae), Labcorp
Classification: Benign. Last evaluated: 2026-02-01. Review status: criteria provided, single submitter. Criteria: Invitae Variant Classification Sherloc (09022015). Collection method: clinical testing. Allele origin: germline.

Women's Health and Genetics/Laboratory Corporation of America, LabCorp
Classification: Likely benign. Last evaluated: 2026-01-22. Review status: criteria provided, single submitter. Criteria: LabCorp Variant Classification Summary - May 2015. Collection method: clinical testing. Allele origin: germline.

PreventionGenetics, part of Exact Sciences
Classification: Likely benign for PSMB4-related condition. Last evaluated: 2025-05-23. Review status: criteria provided, single submitter. Criteria: ACMG Guidelines, 2015. Collection method: clinical testing. Allele origin: germline.
Comment: This variant is classified as likely benign based on ACMG/AMP sequence variant interpretation guidelines (Richards et al. 2015 PMID: 25741868, with internal and published modifications).

CeGaT Center for Human Genetics Tuebingen
Classification: Likely benign. Last evaluated: 2024-04-01. Review status: criteria provided, single submitter. Criteria: CeGaT Center For Human Genetics Tuebingen Variant Classification Criteria Version 2. Collection method: clinical testing. Allele origin: germline. Affected: yes. Observed: 1 variant allele.
Comment: PSMB4: BP4, BP7, BS2

Breakthrough Genomics
Classification: Benign. Review status: criteria provided, single submitter. Criteria: ACMG Guidelines, 2015. Collection method: not provided. Allele origin: germline. Inheritance: Autosomal recessive inheritance. Affected: yes.